The following is an entry in ClinVar:

NM_001365276.2(TNXB):c.11581G>A (p.Ala3861Thr)

Genes: TNXB (tenascin XB; minus strand), LOC106780803 (tenascin XB recombination region; plus strand). Cytogenetic location: 6p21.33.
Variant type: single nucleotide variant.
Coding change: c.11581G>A on transcript NM_001365276.2 (MANE Select); coding-DNA position 11581, G replaced by A.
Protein change: p.Ala3861Thr; replaces alanine 3861 with threonine.
Molecular consequence: missense variant.
Genome position (GRCh38, 1-based): chr6:32,043,506, C>T on the plus strand (G>A on the coding strand, the complement: TNXB is on the minus strand). VCF-style: chr6-32043506-C-T. GRCh37 (hg19) VCF-style: chr6-32011283-C-T.
Other names: p.Ala3859Thr; c.11575G>A, p.Ala3859Thr (NM_019105.8); c.868G>A, p.Ala290Thr (NM_032470.4); short protein forms A290T, A3859T, A3861T.
Identifiers: ClinVar variation 1702304 (VCV001702304.30), dbSNP rs201121030, ClinGen allele CA3732927.

ClinVar aggregate classification (germline): Conflicting classifications of pathogenicity. Review status: criteria provided, conflicting classifications (1 of 4 stars). 5 submissions from 5 submitters: Uncertain significance (3); Likely benign (2). Last evaluated 2026-09-18.

Conditions:
Ehlers-Danlos syndrome (EDS). Identifiers: Orphanet 98249, MedGen C0013720, MONDO:0020066.
TNXB-related disorder. Also called: TNXB-related condition.

Allele frequency attached by ClinVar (database versions not stated): gnomAD 0.00068 and 0.00076; gnomAD exomes 0.00080 and 0.00098; 1000 Genomes Project 30x 0.00094; 1000 Genomes Project 0.00120; ExAC 0.00242.
gnomAD v4.1: 700 of 734,274 alleles (0.095%); highest among the groups gnomAD compares: Middle Eastern, 0.72%; 2 homozygotes.

Submissions (5):

PreventionGenetics, part of Exact Sciences
Classification: Uncertain significance for TNXB-related condition. Last evaluated: 2026-09-18. Review status: criteria provided, single submitter. Criteria: ACMG Guidelines, 2015. Collection method: clinical testing. Allele origin: germline.
Comment: The TNXB c.11575G>A variant is predicted to result in the amino acid substitution p.Ala3859Thr. This variant was reported in an individual with vesicoureteral reflux (reported as A3861T in Elahi et al. 2016. PubMed ID: 26408188). This variant is reported in 0.15% of alleles in individuals of Ashkenazi Jewish descent in gnomAD. This variant falls within a highly paralogous region. Allele frequency data should be interpreted with caution. Although we suspect that this variant may be benign, at this time, the clinical significance of this variant is uncertain due to the absence of conclusive functional and genetic evidence.

CeGaT Center for Human Genetics Tuebingen
Classification: Likely benign. Last evaluated: 2026-06-01. Review status: criteria provided, single submitter. Criteria: CeGaT Center For Human Genetics Tuebingen Variant Classification Criteria Version 2. Collection method: clinical testing. Allele origin: germline. Affected: yes. Observed: 9 variant alleles.
Comment: TNXB: BP4

Mayo Clinic Laboratories, Mayo Clinic
Classification: Uncertain significance. Last evaluated: 2025-11-21. Review status: criteria provided, single submitter. Criteria: ACMG Guidelines, 2015. Collection method: clinical testing. Allele origin: germline. Observed: 6 variant alleles.
Comment: BP4

Women's Health and Genetics/Laboratory Corporation of America, LabCorp
Classification: Likely benign. Last evaluated: 2024-01-10. Review status: criteria provided, single submitter. Criteria: LabCorp Variant Classification Summary - May 2015. Collection method: clinical testing. Allele origin: germline.
Comment: Variant summary: TNXB c.11575G>A (p.Ala3859Thr) results in a non-conservative amino acid change located in the Fibronectin type III (IPR003961) of the encoded protein sequence. Four of five in-silico tools predict a damaging effect of the variant on protein function. The variant allele was found at a frequency of 0.00095 in 734274 control chromosomes, predominantly at a frequency of 0.0012 within the Non-Finnish European subpopulation in the gnomAD database (v4.0.0), including 1 homozygotes. The observed variant frequency within Non-Finnish European control individuals in the gnomAD database is higher than the estimated maximal expected allele frequency for a pathogenic variant in TNXB causing Ehlers-Danlos-like syndrome phenotype (0.0011), strongly suggesting that the variant is a benign polymorphism found primarily in populations of Non-Finnish European origin. c.11575G>A has been reported in the literature in individuals affected with Primary Vesicoureteric Reflux (Elahi_2016). This report does not provide unequivocal conclusions about association of the variant with Ehlers-Danlos-like syndrome. To our knowledge, no experimental evidence demonstrating an impact on protein function has been reported. The following publication have been ascertained in the context of this evaluation (PMID: 26408188). ClinVar contains an entry for this variant (Variation ID: 1702304). Based on the evidence outlined above, the variant was classified as likely benign.

Genome Diagnostics Laboratory, The Hospital for Sick Children
Classification: Uncertain significance for Ehlers-Danlos syndrome. Last evaluated: 2021-05-31. Review status: criteria provided, single submitter. Criteria: ACMG Guidelines, 2015. Collection method: clinical testing. Allele origin: germline.

Literature cited by the submitters: PubMed 26408188 (cited by Mayo Clinic Laboratories, Mayo Clinic and Women's Health and Genetics/Laboratory Corporation of America, LabCorp).